The following is an entry in ClinVar:

ClinVar aggregate classification (germline): Uncertain significance (1 of 4 stars; one submission).

Submission:

Labcorp Genetics (formerly Invitae), Labcorp
Classification: Uncertain significance. Last evaluated: 2025-02-10. Review status: criteria provided, single submitter. Criteria: Invitae Variant Classification Sherloc (09022015). Collection method: clinical testing. Allele origin: germline.
Comment: This sequence change replaces glutamic acid, which is acidic and polar, with aspartic acid, which is acidic and polar, at codon 116 of the FGF3 protein (p.Glu116Asp). This variant is not present in population databases (gnomAD no frequency). This variant has not been reported in the literature in individuals affected with FGF3-related conditions. ClinVar contains an entry for this variant (Variation ID: 1375736). An algorithm developed to predict the effect of missense changes on protein structure and function (PolyPhen-2) suggests that this variant is likely to be disruptive. In summary, the available evidence is currently insufficient to determine the role of this variant in disease. Therefore, it has been classified as a Variant of Uncertain Significance.

NM_005247.4(FGF3):c.348G>T (p.Glu116Asp)

Gene: FGF3 (fibroblast growth factor 3; minus strand). Cytogenetic location: 11q13.3.
Variant type: single nucleotide variant.
Coding change: c.348G>T on transcript NM_005247.4 (MANE Select); coding-DNA position 348, G replaced by T.
Protein change: p.Glu116Asp; replaces glutamic acid 116 with aspartic acid.
Molecular consequence: missense variant.
Genome position (GRCh38, 1-based): chr11:69,810,677, C>A on the plus strand (G>T on the coding strand, the complement: FGF3 is on the minus strand). VCF-style: chr11-69810677-C-A. GRCh37 (hg19) VCF-style: chr11-69625445-C-A.
Other names: short protein forms E116D.
Identifiers: ClinVar variation 1375736 (VCV001375736.6), dbSNP rs2119906665, ClinGen allele CA381664013.